The following is an entry in ClinVar:

ClinVar aggregate classification (germline): Benign (1 of 4 stars; one submission).

Conditions:
Tuberous sclerosis 1 (TSC1). Identifiers: Orphanet 805, MedGen C1854465, MONDO:0008612, OMIM 191100.

gnomAD v4.1: 1 of 1,614,114 alleles (0.000062%); highest among the groups gnomAD compares: African/African-American, 0.0013%; no homozygotes.

Submission:

Myriad Genetics, Inc.
Classification: Benign for Tuberous sclerosis 1. Last evaluated: 2025-04-10. Review status: criteria provided, single submitter. Criteria: Myriad Autosomal Dominant, Autosomal Recessive and X-Linked Classification Criteria (2023). Collection method: clinical testing. Allele origin: unknown.
Comment: This variant is considered benign. This variant is a silent/synonymous amino acid change and it is not expected to impact splicing.

NM_000368.5(TSC1):c.1818T>C (p.His606=)

Gene: TSC1 (TSC complex subunit 1; minus strand). Cytogenetic location: 9q34.13.
Variant type: single nucleotide variant.
Coding change: c.1818T>C on transcript NM_000368.5 (MANE Select); coding-DNA position 1818, T replaced by C.
Protein change: p.His606=; no amino-acid change (histidine 606 retained).
Molecular consequence: synonymous variant. On other transcripts: non-coding transcript variant (5).
Genome position (GRCh38, 1-based): chr9:132,905,760, A>G on the plus strand (T>C on the coding strand, the complement: TSC1 is on the minus strand). VCF-style: chr9-132905760-A-G. GRCh37 (hg19) VCF-style: chr9-135781147-A-G.
Other names: c.1815T>C, p.His605= (NM_001162426.2, NM_001406597.1, NM_001406598.1 and 6 more transcripts); c.1665T>C, p.His555= (NM_001162427.2, NM_001406610.1); c.1455T>C, p.His485= (NM_001362177.2, NM_001406614.1, NM_001406615.1 and 5 more transcripts); c.1818T>C, p.His606= (NM_001406592.1, NM_001406593.1, NM_001406594.1 and 7 more transcripts); c.1662T>C, p.His554= (NM_001406611.1, NM_001406612.1, NM_001406613.1); c.1452T>C, p.His484= (NM_001406620.1, NM_001406621.1, NM_001406622.1 and 2 more transcripts); c.867T>C, p.His289= (NM_001406626.1); c.864T>C, p.His288= (NM_001406627.1, NM_001406628.1); and 1 more.
Identifiers: ClinVar variation 4071124 (VCV004071124.1).
Genomic context (GRCh38, chr9:132,905,760, plus strand): 5'-CTCCTCAGTCTTCCTGATGACAAAATGATGGGCTGTCTTTGGCAATGCCACCTCAAAAAG[A>G]TGATCATACGGGGGAGGCTGCCCGCTTCCAAAGCCCACTCTCGTCGGAGGTGGAATTTTA-3'
Protein context (NP_000359.1, residues 596-616): FGSGQPPPYD[His606=]LFEVALPKTA